The following is an entry in ClinVar:

NM_021615.5(CHST6):c.*4880G>A

Gene: CHST6 (carbohydrate sulfotransferase 6; minus strand). Cytogenetic location: 16q23.1.
Variant type: single nucleotide variant.
Coding change: c.*4880G>A on transcript NM_021615.5 (MANE Select); 4880 bases downstream of the stop codon, G replaced by A.
Molecular consequence: 3 prime UTR variant.
Genome position (GRCh38, 1-based): chr16:75,473,761, C>T on the plus strand (G>A on the coding strand, the complement: CHST6 is on the minus strand). VCF-style: chr16-75473761-C-T. GRCh37 (hg19) VCF-style: chr16-75507659-C-T.
Identifiers: ClinVar variation 320512 (VCV000320512.5), dbSNP rs76741848, ClinGen allele CA10648063.

ClinVar aggregate classification (germline): Likely benign (1 of 4 stars; one submission).

Conditions:
Macular corneal dystrophy (MCD). Also called: GROENOUW TYPE II CORNEAL DYSTROPHY; Macular corneal dystrophy Type I. Identifiers: Orphanet 98969, MedGen C1636149, MONDO:0009020, OMIM 217800.

Allele frequency attached by ClinVar (database versions not stated): 1000 Genomes Project 30x 0.00047; 1000 Genomes Project 0.00060; gnomAD 0.00104 and 0.00105; TOPMed 0.00110.

Submission:

Illumina Laboratory Services, Illumina
Classification: Likely benign for Macular corneal dystrophy. Last evaluated: 2018-01-12. Review status: criteria provided, single submitter. Criteria: ICSL Variant Classification Criteria 13 December 2019. Collection method: clinical testing. Allele origin: germline.
Comment: This variant was observed in the ICSL laboratory as part of a predisposition screen in an ostensibly healthy population. It had not been previously curated by ICSL or reported in the Human Gene Mutation Database (HGMD: prior to June 1st, 2018), and was therefore a candidate for classification through an automated scoring system. Utilizing variant allele frequency, disease prevalence and penetrance estimates, and inheritance mode, an automated score was calculated to assess if this variant is too frequent to cause the disease. Based on the score and internal cut-off values, a variant classified as likely benign is not then subjected to further curation. The score for this variant resulted in a classification of likely benign for this disease.